The following is an entry in ClinVar:

NM_020884.7(MYH7B):c.1669G>A (p.Asp557Asn)

Gene: MYH7B (myosin heavy chain 7B; plus strand). Cytogenetic location: 20q11.22.
Variant type: single nucleotide variant.
Coding change: c.1669G>A on transcript NM_020884.7 (MANE Select); coding-DNA position 1669, G replaced by A.
Protein change: p.Asp557Asn; replaces aspartic acid 557 with asparagine.
Molecular consequence: missense variant.
Genome position (GRCh38, 1-based): chr20:34,989,821, G>A. VCF-style: chr20-34989821-G-A. GRCh37 (hg19) VCF-style: chr20-33577624-G-A.
Other names: short protein forms D557N.
Identifiers: ClinVar variation 1476197 (VCV001476197.8), dbSNP rs539794631, ClinGen allele CA9827023.

ClinVar aggregate classification (germline): Uncertain significance (1 of 4 stars; one submission).

Allele frequency attached by ClinVar (database versions not stated): gnomAD 0.00002 and 0.00007; TOPMed 0.00004; gnomAD exomes 0.00006 and 0.00008; ExAC 0.00008; 1000 Genomes Project 30x 0.00016; 1000 Genomes Project 0.00020.
gnomAD v4.1: 100 of 1,614,150 alleles (0.0062%); highest among the groups gnomAD compares: South Asian, 0.086%; 1 homozygote.

Submission:

Labcorp Genetics (formerly Invitae), Labcorp
Classification: Uncertain significance. Last evaluated: 2022-01-14. Review status: criteria provided, single submitter. Criteria: Invitae Variant Classification Sherloc (09022015). Collection method: clinical testing. Allele origin: germline.
Comment: This variant is present in population databases (rs539794631, gnomAD 0.06%). This variant has not been reported in the literature in individuals affected with MYH7B-related conditions. Algorithms developed to predict the effect of missense changes on protein structure and function are either unavailable or do not agree on the potential impact of this missense change (SIFT: "Deleterious"; PolyPhen-2: "Probably Damaging"; Align-GVGD: "Class C15"). In summary, the available evidence is currently insufficient to determine the role of this variant in disease. Therefore, it has been classified as a Variant of Uncertain Significance. This sequence change replaces aspartic acid, which is acidic and polar, with asparagine, which is neutral and polar, at codon 599 of the MYH7B protein (p.Asp599Asn).